The following is an entry in ClinVar:

ClinVar aggregate classification (germline): Uncertain significance (1 of 4 stars; one submission).

Conditions:
CASZ1-related disorder. Also called: CASZ1-related condition.

Submission:

PreventionGenetics, part of Exact Sciences
Classification: Uncertain significance for CASZ1-related condition. Last evaluated: 2023-04-03. Review status: criteria provided, single submitter. Criteria: ACMG Guidelines, 2015. Collection method: clinical testing. Allele origin: germline.
Comment: The CASZ1 c.3303G>C variant is predicted to result in the amino acid substitution p.Glu1101Asp. To our knowledge, this variant has not been reported in the literature or in a large population database, indicating this variant is rare. Of note, in multiple species an aspartic acid (Asp) is present at the p.Glu1101 residue. At this time, the clinical significance of this variant is uncertain due to the absence of conclusive functional and genetic evidence.

NM_001079843.3(CASZ1):c.3303G>C (p.Glu1101Asp)

Gene: CASZ1 (castor zinc finger 1; minus strand). Cytogenetic location: 1p36.22.
Variant type: single nucleotide variant.
Coding change: c.3303G>C on transcript NM_001079843.3 (MANE Select); coding-DNA position 3303, G replaced by C.
Protein change: p.Glu1101Asp; replaces glutamic acid 1101 with aspartic acid.
Molecular consequence: missense variant.
Genome position (GRCh38, 1-based): chr1:10,647,995, C>G on the plus strand (G>C on the coding strand, the complement: CASZ1 is on the minus strand). VCF-style: chr1-10647995-C-G. GRCh37 (hg19) VCF-style: chr1-10708052-C-G.
Other names: c.3303G>C, p.Glu1101Asp (NM_017766.5); short protein forms E1101D.
Identifiers: ClinVar variation 2633544 (VCV002633544.1), dbSNP rs2522077052, ClinGen allele CA338357070.